The following is an entry in ClinVar:

ClinVar aggregate classification (germline): Uncertain significance (1 of 4 stars; one submission).

Allele frequency attached by ClinVar (database versions not stated): gnomAD exomes 0.00002; ExAC 0.00004; TOPMed 0.00006; gnomAD 0.00007 and 0.00009.

Submissions (3):

Labcorp Genetics (formerly Invitae), Labcorp
Classification: Uncertain significance. Last evaluated: 2024-08-30. Review status: criteria provided, single submitter. Criteria: Invitae Variant Classification Sherloc (09022015). Collection method: clinical testing. Allele origin: germline.
Comment: This sequence change replaces aspartic acid, which is acidic and polar, with asparagine, which is neutral and polar, at codon 251 of the DGAT1 protein (p.Asp251Asn). This variant also falls at the last nucleotide of exon 8, which is part of the consensus splice site for this exon. This variant is present in population databases (rs782043842, gnomAD 0.006%). This variant has not been reported in the literature in individuals affected with DGAT1-related conditions. ClinVar contains an entry for this variant (Variation ID: 1492257). An algorithm developed to predict the effect of missense changes on protein structure and function (PolyPhen-2) suggests that this variant is likely to be disruptive. Variants that disrupt the consensus splice site are a relatively common cause of aberrant splicing (PMID: 17576681, 9536098). Algorithms developed to predict the effect of sequence changes on RNA splicing suggest that this variant may disrupt the consensus splice site. In summary, the available evidence is currently insufficient to determine the role of this variant in disease. Therefore, it has been classified as a Variant of Uncertain Significance.

Dr. Peter K. Rogan Lab, Western University
No classification provided (evidence only). Condition: Familial cancer of breast. Review status: no classification provided. Collection method: in vitro. Allele origin: not applicable. Functional consequence: skipped exon, retained intron. Not counted in ClinVar's aggregate classification.

Dr. Peter K. Rogan Lab, Western University
No classification provided (evidence only). Condition: Malignant tumor of esophagus. Review status: no classification provided. Collection method: in vitro. Allele origin: not applicable. Functional consequence: skipped exon, retained intron. Not counted in ClinVar's aggregate classification.

Literature cited by the submitters: PubMed 17576681 (cited by Labcorp Genetics (formerly Invitae), Labcorp); PubMed 9536098 (cited by Labcorp Genetics (formerly Invitae), Labcorp).

NM_012079.6(DGAT1):c.751G>A (p.Asp251Asn)

Gene: DGAT1 (diacylglycerol O-acyltransferase 1; minus strand). Cytogenetic location: 8q24.3.
Variant type: single nucleotide variant.
Coding change: c.751G>A on transcript NM_012079.6 (MANE Select); coding-DNA position 751, G replaced by A.
Protein change: p.Asp251Asn; replaces aspartic acid 251 with asparagine.
Molecular consequence: missense variant.
Genome position (GRCh38, 1-based): chr8:144,318,095, C>T on the plus strand (G>A on the coding strand, the complement: DGAT1 is on the minus strand). VCF-style: chr8-144318095-C-T. GRCh37 (hg19) VCF-style: chr8-145541758-C-T.
Other names: short protein forms D251N.
Identifiers: ClinVar variation 1492257 (VCV001492257.5), dbSNP rs782043842, ClinGen allele CA4936872.